The following is an entry in ClinVar:

ClinVar aggregate classification (germline): Uncertain significance (1 of 4 stars; one submission).

Conditions:
Inborn genetic diseases. Identifiers: MedGen C0950123, MeSH D030342.

gnomAD v4.1: 6 of 1,612,530 alleles (0.00037%); highest among the groups gnomAD compares: Non-Finnish European, 0.00051%; no homozygotes.

Submission:

Ambry Genetics
Classification: Uncertain significance for Inborn genetic diseases. Last evaluated: 2024-11-24. Review status: criteria provided, single submitter. Criteria: Ambry Variant Classification Scheme 2023. Collection method: clinical testing. Allele origin: germline.
Comment: The p.S908N variant (also known as c.2723G>A), located in coding exon 28 of the RTEL1 gene, results from a G to A substitution at nucleotide position 2723. The serine at codon 908 is replaced by asparagine, an amino acid with highly similar properties. This amino acid position is conserved. In addition, this alteration is predicted to be tolerated by in silico analysis. Based on the available evidence, the clinical significance of this variant remains unclear.

NM_001283009.2(RTEL1):c.2723G>A (p.Ser908Asn)

Genes: RTEL1 (regulator of telomere elongation helicase 1; plus strand), RTEL1-TNFRSF6B (RTEL1-TNFRSF6B readthrough (NMD candidate); plus strand). Cytogenetic location: 20q13.33.
Variant type: single nucleotide variant.
Coding change: c.2723G>A on transcript NM_001283009.2 (MANE Select); coding-DNA position 2723, G replaced by A.
Protein change: p.Ser908Asn; replaces serine 908 with asparagine.
Molecular consequence: missense variant. On other transcripts: non-coding transcript variant (1).
Genome position (GRCh38, 1-based): chr20:63,692,875, G>A. VCF-style: chr20-63692875-G-A. GRCh37 (hg19) VCF-style: chr20-62324228-G-A.
Other names: c.2054G>A, p.Ser685Asn (NM_001283010.1); c.2723G>A, p.Ser908Asn (NM_016434.4); c.2795G>A, p.Ser932Asn (NM_032957.5); short protein forms S685N, S908N, S932N.
Identifiers: ClinVar variation 3435967 (VCV003435967.1).